The following is an entry in ClinVar:

NM_025099.6(CTC1):c.131_134del (p.Asp44fs)

Gene: CTC1 (CST telomere replication complex component 1; minus strand). Cytogenetic location: 17p13.1.
Variant type: Microsatellite.
Coding change: c.131_134del on transcript NM_025099.6 (MANE Select); coding-DNA positions 131 to 134, 4 bases deleted (ATTG; older notation c.131_134delATTG).
Protein change: p.Asp44fs; shifts the reading frame from aspartic acid 44.
Molecular consequence: frameshift variant. On other transcripts: non-coding transcript variant (1).
Genome position (GRCh38, 1-based): chr17:8,243,048-8,243,051, CAAT deleted on the plus strand (ATTG on the coding strand, the reverse complement: CTC1 is on the minus strand); deleting any 4 consecutive bases within chr17:8,243,048-8,243,055 gives the same sequence; the c. name uses the placement nearest the transcript's 3' end. VCF-style (leftmost placement, unchanged base first): chr17-8243047-ACAAT-A. GRCh37 (hg19) VCF-style: chr17-8146365-ACAAT-A.
Other names: c.131_134del (NM_025099.5); short protein forms D44fs.
Identifiers: ClinVar variation 1185025 (VCV001185025.6), dbSNP rs1250113146, ClinGen allele CA775728836.

ClinVar aggregate classification (germline): Likely pathogenic. Review status: criteria provided, multiple submitters, no conflicts (2 of 4 stars). 3 submissions from 3 submitters: Likely pathogenic (3). Last evaluated 2024-03-12.

Conditions:
Cerebroretinal microangiopathy with calcifications and cysts 1 (CRMCC1). Identifiers: Orphanet 313838, MedGen C4552029, MONDO:0024564, OMIM 612199.

Submissions (3):

Fulgent Genetics
Classification: Likely pathogenic for Cerebroretinal microangiopathy with calcifications and cysts 1. Last evaluated: 2024-03-12. Review status: criteria provided, single submitter. Criteria: ACMG Guidelines, 2015. Collection method: clinical testing. Allele origin: germline.

Genetic Services Laboratory, University of Chicago
Classification: Likely pathogenic. Last evaluated: 2022-01-25. Review status: criteria provided, single submitter. Criteria: ACMG Guidelines, 2015. Collection method: clinical testing. Allele origin: germline.

Johns Hopkins Genomics, Johns Hopkins University
Classification: Likely pathogenic for Cerebroretinal microangiopathy with calcifications and cysts 1. Last evaluated: 2021-07-06. Review status: criteria provided, single submitter. Criteria: ACMG Guidelines, 2015. Collection method: clinical testing. Allele origin: germline.
Comment: CTC1 c.131_134del is absent from a large population dataset and has not been reported in ClinVar nor the literature, to our knowledge. This frameshift variant results in a premature stop codon in exon 2 of 23 likely leading to nonsense-mediated decay and lack of protein production. We consider CTC1 c.131_134del to be likely pathogenic.